The following is an entry in ClinVar:

NM_004393.6(DAG1):c.1774G>A (p.Glu592Lys)

Gene: DAG1 (dystroglycan 1; plus strand). Cytogenetic location: 3p21.31.
Variant type: single nucleotide variant.
Coding change: c.1774G>A on transcript NM_004393.6 (MANE Select); coding-DNA position 1774, G replaced by A.
Protein change: p.Glu592Lys; replaces glutamic acid 592 with lysine.
Molecular consequence: missense variant.
Genome position (GRCh38, 1-based): chr3:49,532,285, G>A. VCF-style: chr3-49532285-G-A. GRCh37 (hg19) VCF-style: chr3-49569718-G-A.
Other names: c.1774G>A, p.Glu592Lys (NM_001177636.3, NM_001177637.3, NM_001177638.3 and 9 more transcripts); c.1774G>A (NM_004393.5); short protein forms E592K.
Identifiers: ClinVar variation 290274 (VCV000290274.14), dbSNP rs759029561, ClinGen allele CA2399141.
Genomic context (GRCh38, chr3:49,532,285, plus strand): 5'-AAACACGAGTATTTCATGCATGCCACAGACAAGGGGGGCCTGTCGGCTGTGGATGCCTTC[G>A]AGATCCACGTCCACAGGCGCCCCCAAGGGGATAGGGCTCCTGCAAGGTTCAAGGCCAAGT-3'
Protein context (NP_004384.5, residues 582-602): KGGLSAVDAF[Glu592Lys]IHVHRRPQGD

ClinVar aggregate classification (germline): Uncertain significance. Review status: criteria provided, multiple submitters, no conflicts (2 of 4 stars). 3 submissions from 3 submitters: Uncertain significance (3). Last evaluated 2021-05-03.

Conditions:
Autosomal recessive limb-girdle muscular dystrophy type 2P. Also called: MUSCULAR DYSTROPHY, LIMB-GIRDLE, TYPE 2P; Limb-Girdle Muscular Dystrophy Type 9C; MUSCULAR DYSTROPHY-DYSTROGLYCANOPATHY, LIMB-GIRDLE, DAG1-RELATED. Identifiers: Orphanet 280333, MedGen C4511963, MONDO:0013440, OMIM 613818.
Muscular dystrophy-dystroglycanopathy (congenital with brain and eye anomalies), type A9. Also called: WALKER-WARBURG SYNDROME OR MUSCLE-EYE BRAIN DISEASE, DAG1-RELATED; Muscular dystrophy-dystroglycanopathy (congenital with brain and eye anomalies), type a, 9. Identifiers: Orphanet 370997, Orphanet 899, MedGen C4225291, MONDO:0014683, OMIM 616538.

Allele frequency attached by ClinVar (database versions not stated): gnomAD 0.00001; gnomAD exomes 0.00001; ExAC 0.00002.
gnomAD v4.1: 15 of 1,613,974 alleles (0.00093%); highest among the groups gnomAD compares: Non-Finnish European, 0.0013%; no homozygotes.

Submissions (3):

Labcorp Genetics (formerly Invitae), Labcorp
Classification: Uncertain significance for Autosomal recessive limb-girdle muscular dystrophy type 2P; Muscular dystrophy-dystroglycanopathy (congenital with brain and eye anomalies), type A9. Last evaluated: 2021-05-03. Review status: criteria provided, single submitter. Criteria: Invitae Variant Classification Sherloc (09022015). Collection method: clinical testing. Allele origin: germline.
Comment: This sequence change replaces glutamic acid with lysine at codon 592 of the DAG1 protein (p.Glu592Lys). The glutamic acid residue is moderately conserved and there is a small physicochemical difference between glutamic acid and lysine. This variant is present in population databases (rs759029561, ExAC 0.005%). This variant has not been reported in the literature in individuals with DAG1-related conditions. ClinVar contains an entry for this variant (Variation ID: 290274). Algorithms developed to predict the effect of missense changes on protein structure and function are either unavailable or do not agree on the potential impact of this missense change (SIFT: "Tolerated"; PolyPhen-2: "Probably Damaging"; Align-GVGD: "Class C0"). In summary, the available evidence is currently insufficient to determine the role of this variant in disease. Therefore, it has been classified as a Variant of Uncertain Significance.

Revvity Omics, Revvity
Classification: Uncertain significance. Last evaluated: 2019-08-09. Review status: criteria provided, single submitter. Criteria: ACMG Guidelines, 2015. Collection method: clinical testing. Allele origin: germline.

Eurofins Ntd Llc (ga)
Classification: Uncertain significance. Last evaluated: 2017-12-22. Review status: criteria provided, single submitter. Criteria: EGL Classification Definitions 2015. Collection method: clinical testing. Allele origin: germline. Observed: 2 variant alleles, 2 heterozygotes.